The following is an entry in ClinVar:

NM_001321142.2(CIDEC):c.181T>C (p.Tyr61His)

Gene: CIDEC (cell death inducing DFFA like effector c; minus strand). Cytogenetic location: 3p25.3.
Variant type: single nucleotide variant.
Coding change: c.181T>C on transcript NM_001321142.2 (MANE Select); coding-DNA position 181, T replaced by C.
Protein change: p.Tyr61His; replaces tyrosine 61 with histidine.
Molecular consequence: missense variant. On other transcripts: intron variant (2).
Genome position (GRCh38, 1-based): chr3:9,877,092, A>G on the plus strand (T>C on the coding strand, the complement: CIDEC is on the minus strand). VCF-style: chr3-9877092-A-G. GRCh37 (hg19) VCF-style: chr3-9918776-A-G.
Other names: p.Tyr74His; c.181T>C, p.Tyr61His (NM_022094.3, NM_001199551.2, NM_001199552.2 and 1 more transcripts); c.220T>C, p.Tyr74His (NM_001199623.2); c.-16+1342T>C (NM_001321144.2, NM_001321143.2); c.220T>C (NM_001199623.1); short protein forms Y61H, Y74H.
Identifiers: ClinVar variation 128771 (VCV000128771.12), dbSNP rs79419480, ClinGen allele CA214477.

ClinVar aggregate classification (germline): Benign. Review status: criteria provided, multiple submitters, no conflicts (2 of 4 stars). 5 submissions from 5 submitters: Benign (4). 1 of the submissions does not count toward it. Last evaluated 2024-08-05.

Conditions:
CIDEC-related disorder. Also called: CIDEC-related condition.

Allele frequency attached by ClinVar (database versions not stated): gnomAD 0.01755 and 0.01577; gnomAD exomes 0.00921 and 0.01841; ESP Exome Variant Server 0.01217; TOPMed 0.01694; 1000 Genomes Project 30x 0.03092; ExAC 0.03471; 1000 Genomes Project 0.03255.
gnomAD v4.1: 15,878 of 1,553,410 alleles (1%); highest among the groups gnomAD compares: South Asian, 7%; 378 homozygotes.

Submissions (5):

Mayo Clinic Laboratories, Mayo Clinic
Classification: Benign. Last evaluated: 2024-08-05. Review status: criteria provided, single submitter. Criteria: ACMG Guidelines, 2015. Collection method: clinical testing. Allele origin: germline. Observed: 12 variant alleles.
Comment: BA1, BP4_moderate

GeneDx
Classification: Benign. Last evaluated: 2021-06-10. Review status: criteria provided, single submitter. Criteria: GeneDx Variant Classification Process June 2021. Collection method: clinical testing. Allele origin: germline. Affected: yes.

Genetic Services Laboratory, University of Chicago
Classification: Benign for AllHighlyPenetrant. Last evaluated: 2013-11-04. Review status: criteria provided, single submitter. Criteria: ACMG Guidelines, 2007. Collection method: clinical testing. Allele origin: germline. Inheritance: Autosomal recessive inheritance.

Breakthrough Genomics
Classification: Benign. Review status: criteria provided, single submitter. Criteria: ACMG Guidelines, 2015. Collection method: not provided. Allele origin: germline. Inheritance: Autosomal recessive inheritance. Affected: yes.

PreventionGenetics, part of Exact Sciences
Classification: Benign for CIDEC-related condition. Last evaluated: 2019-10-17. Review status: no assertion criteria provided. Collection method: clinical testing. Allele origin: germline. Not counted in ClinVar's aggregate classification.
Comment: This variant is classified as benign based on ACMG/AMP sequence variant interpretation guidelines (Richards et al. 2015 PMID: 25741868, with internal and published modifications).